The following is an entry in ClinVar:

NM_000492.4(CFTR):c.3540del (p.Lys1180fs)

Genes: CFTR (CF transmembrane conductance regulator; plus strand), CFTR-AS2 (CFTR antisense RNA 2; minus strand). Cytogenetic location: 7q31.2.
Variant type: Deletion.
Coding change: c.3540del on transcript NM_000492.4 (MANE Select); coding-DNA position 3540, one base deleted (A; older notation c.3540delA).
Protein change: p.Lys1180fs; shifts the reading frame from lysine 1180.
Molecular consequence: frameshift variant.
Genome position (GRCh38, 1-based): chr7:117,627,593, A deleted; the last of 3 consecutive A bases (chr7:117,627,591-117,627,593); deleting any one gives the same sequence. VCF-style (leftmost placement, unchanged base first): chr7-117627590-CA-C. GRCh37 (hg19) VCF-style: chr7-117267644-CA-C.
Other names: c.3540delA (NM_000492.3); short protein forms K1180fs.
Identifiers: ClinVar variation 53769 (VCV000053769.3), dbSNP rs397508580, ClinGen allele CA327227.

ClinVar aggregate classification (germline): Pathogenic. Review status: criteria provided, multiple submitters, no conflicts (2 of 4 stars). 2 submissions from 2 submitters: Pathogenic (2). Last evaluated 2022-03-18.

Conditions:
Cystic fibrosis (CF). Also called: MUCOVISCIDOSIS. Identifiers: Orphanet 586, MedGen C0010674, MONDO:0009061, OMIM 219700. Disease mechanism: loss of function.

Submissions (2):

Women's Health and Genetics/Laboratory Corporation of America, LabCorp
Classification: Pathogenic for Cystic fibrosis. Last evaluated: 2022-03-18. Review status: criteria provided, single submitter. Criteria: LabCorp Variant Classification Summary - May 2015. Collection method: clinical testing. Allele origin: germline.
Comment: Variant summary: CFTR c.3540delA (p.Lys1180AsnfsX12) results in a premature termination codon, predicted to cause a truncation of the encoded protein or absence of the protein due to nonsense mediated decay, which are commonly known mechanisms for disease. This variant is also known as 3672delA in HGVS. Truncations downstream of this position have been classified as pathogenic by our laboratory. Truncations downstream of this position are also associated with Cystic Fibrosis in HGMD. The variant was absent in 250734 control chromosomes (gnomAD). c.3540delA has been reported in the literature in individuals affected with Cystic Fibrosis (examples: Rawashdeh_2003, Trujillano_2015, Bustami_2018, and Al-Sadeq_2019). One clinical diagnostic laboratory has submitted clinical-significance assessments for this variant to ClinVar after 2014 and classified the variant as pathogenic. Based on the evidence outlined above, the variant was classified as pathogenic.

Johns Hopkins Genomics, Johns Hopkins University
Classification: Pathogenic for Cystic fibrosis. Last evaluated: 2020-05-07. Review status: criteria provided, single submitter. Criteria: ACMG Guidelines, 2015. Collection method: clinical testing. Allele origin: germline.
Comment: CFTR c.3540delA has been previously identified in two unpublished patients with features of cystic fibrosis. It is absent from a large population dataset and has not been reported in ClinVar. This frameshift variant leads to a premature stop codon in exon 22 of 27 likely leading to nonsense mediated decay and lack of protein production. We consider c.3540delA to be pathogenic.

Literature cited by the submitters: PubMed 26436105 (cited by Women's Health and Genetics/Laboratory Corporation of America, LabCorp); PubMed 30419605 (cited by Women's Health and Genetics/Laboratory Corporation of America, LabCorp).